The following is an entry in ClinVar:

NM_001330195.2(NRXN3):c.758-157377ATAA[13]

Gene: NRXN3 (neurexin 3; plus strand). Cytogenetic location: 14q24.3.
Variant type: Microsatellite.
Coding change: c.758-157377ATAA[13] on transcript NM_001330195.2 (MANE Select); 13 copies in a row of the 4-base unit ATAA starting at c.758-157377.
Molecular consequence: intron variant.
Genome position: GRCh38 VCF-style: chr14-78487742-C-CATAA. GRCh37 (hg19) VCF-style: chr14-78954085-C-CATAA.
Other names: c.770-157377ATAA[13] (NM_001366426.1); c.758-157377ATAA[13] (NM_001366425.1); c.-363+83865ATAA[13] (NM_004796.6).
Identifiers: ClinVar variation 4281238 (VCV004281238.7).

ClinVar aggregate classification (germline): Benign (1 of 4 stars; one submission).

Submission:

CeGaT Center for Human Genetics Tuebingen
Classification: Benign. Last evaluated: 2026-09-01. Review status: criteria provided, single submitter. Criteria: CeGaT Center For Human Genetics Tuebingen Variant Classification Criteria Version 2. Collection method: clinical testing. Allele origin: germline. Affected: yes. Observed: 3 variant alleles.
Comment: NRXN3: BS1, BS2